The following is an entry in ClinVar:

NM_000419.5(ITGA2B):c.2960T>C (p.Leu987Pro)

Gene: ITGA2B (integrin subunit alpha 2b; minus strand). Cytogenetic location: 17q21.31.
Variant type: single nucleotide variant.
Coding change: c.2960T>C on transcript NM_000419.5 (MANE Select); coding-DNA position 2960, T replaced by C.
Protein change: p.Leu987Pro; replaces leucine 987 with proline.
Molecular consequence: missense variant.
Genome position (GRCh38, 1-based): chr17:44,374,454, A>G on the plus strand (T>C on the coding strand, the complement: ITGA2B is on the minus strand). VCF-style: chr17-44374454-A-G. GRCh37 (hg19) VCF-style: chr17-42451822-A-G.
Other names: short protein forms L987P.
Identifiers: ClinVar variation 4763579 (VCV004763579.2).
Genomic context (GRCh38, chr17:44,374,454, plus strand): 5'-CCACCCAGCACACCCACCAGCACCCACCAGATTGGAATGGCCCTCTCCTCCAAGGCCCGG[A>G]GCAGCTGTGTCCACACCTGGGGGCAAACCCACGTGTCTCCTCAGTCACCTTGACACCTGC-3'
Protein context (NP_000410.2, residues 977-997): RGEAQVWTQL[Leu987Pro]RALEERAIPI

ClinVar aggregate classification (germline): Uncertain significance. Review status: criteria provided, multiple submitters, no conflicts (2 of 4 stars). 2 submissions from 2 submitters: Uncertain significance (2). Last evaluated 2025-07-20.

Conditions:
Glanzmann thrombasthenia. Also called: PLATELET GLYCOPROTEIN IIb-IIIa DEFICIENCY; Thrombasthenia; Glanzmann's thrombasthenia; THROMBASTHENIA OF GLANZMANN AND NAEGELI. Identifiers: Orphanet 849, MedGen C0040015, MONDO:0100326.

Submissions (2):

Labcorp Genetics (formerly Invitae), Labcorp
Classification: Uncertain significance for Glanzmann thrombasthenia. Last evaluated: 2025-07-20. Review status: criteria provided, single submitter. Criteria: Invitae Variant Classification Sherloc (09022015). Collection method: clinical testing. Allele origin: germline.
Comment: This sequence change replaces leucine, which is neutral and non-polar, with proline, which is neutral and non-polar, at codon 987 of the ITGA2B protein (p.Leu987Pro). This variant is present in population databases (no rsID available, gnomAD 0.0009%). This variant has not been reported in the literature in individuals affected with ITGA2B-related conditions. Invitae Evidence Modeling of protein sequence and biophysical properties (such as structural, functional, and spatial information, amino acid conservation, physicochemical variation, residue mobility, and thermodynamic stability) indicates that this missense variant is expected to disrupt ITGA2B protein function with a positive predictive value of 95%. In summary, the available evidence is currently insufficient to determine the role of this variant in disease. Therefore, it has been classified as a Variant of Uncertain Significance.

Blueprint Genetics
Classification: Uncertain significance. Last evaluated: 2023-09-29. Review status: criteria provided, single submitter. Criteria: ACMG Guidelines, 2015. Collection method: clinical testing. Allele origin: germline.